The following is an entry in ClinVar:

NM_001371623.1(TCOF1):c.71T>A (p.Val24Glu)

Genes: TCOF1 (treacle ribosome biogenesis factor 1; plus strand), LOC129994985 (ATAC-STARR-seq lymphoblastoid silent region 16507; plus strand). Cytogenetic location: 5q32.
Variant type: single nucleotide variant.
Coding change: c.71T>A on transcript NM_001371623.1 (MANE Select); coding-DNA position 71, T replaced by A.
Protein change: p.Val24Glu; replaces valine 24 with glutamic acid.
Molecular consequence: missense variant.
Genome position (GRCh38, 1-based): chr5:150,357,817, T>A. VCF-style: chr5-150357817-T-A. GRCh37 (hg19) VCF-style: chr5-149737380-T-A.
Other names: c.71T>A, p.Val24Glu (NM_000356.4, NM_001008657.3, NM_001135243.2 and 3 more transcripts); short protein forms V24E.
Identifiers: ClinVar variation 3600957 (VCV003600957.1).

ClinVar aggregate classification (germline): Uncertain significance (1 of 4 stars; one submission).

Submission:

GeneDx
Classification: Uncertain significance. Last evaluated: 2024-07-25. Review status: criteria provided, single submitter. Criteria: GeneDx Variant Classification Process June 2021. Collection method: clinical testing. Allele origin: germline. Affected: yes.
Comment: Not observed at significant frequency in large population cohorts (gnomAD); In silico analysis supports that this missense variant has a deleterious effect on protein structure/function; Has not been previously published as pathogenic or benign to our knowledge